The following continues an entry in ClinVar:

NM_000521.4(HEXB):c.1250C>T (p.Pro417Leu)

Gene: HEXB. ClinVar aggregate classification (germline): Pathogenic/Likely pathogenic. Pathogenic (23); Likely pathogenic (2).

Submissions 13 to 27 of 27:

Laboratory of Medical Genetics, National & Kapodistrian University of Athens
Classification: Pathogenic for Sandhoff disease. Last evaluated: 2024-02-01. Review status: criteria provided, single submitter. Criteria: ACMG Guidelines, 2015. Collection method: curation. Allele origin: germline. Affected: no.

GeneDx
Classification: Pathogenic. Last evaluated: 2023-11-01. Review status: criteria provided, single submitter. Criteria: GeneDx Variant Classification Process June 2021. Collection method: clinical testing. Allele origin: germline. Affected: yes.
Comment: Published functional studies demonstrate misspliced unstable mRNA and reduced level of enzyme activity (PMID: 1386607); In silico analysis supports that this missense variant has a deleterious effect on protein structure/function; This variant is associated with the following publications: (PMID: 2147027, 29448188, 1386607, 24263030, 7557963, 21150067, 1531140, 31589614, 34670123, 31847883, 17237499, 22789865, 34503567, 23127958, 25736553)

Department of Pathology and Laboratory Medicine, Sinai Health System
Classification: Pathogenic for Sandhoff disease. Last evaluated: 2023-09-05. Review status: criteria provided, single submitter. Criteria: ACMG Guidelines, 2015. Collection method: research. Allele origin: germline.

Ambry Genetics
Classification: Pathogenic for Inborn genetic diseases. Last evaluated: 2022-03-27. Review status: criteria provided, single submitter. Criteria: Ambry Variant Classification Scheme 2023. Collection method: clinical testing. Allele origin: germline.
Comment: The c.1250C>T (p.P417L) alteration is located in exon 11 (coding exon 11) of the HEXB gene. This alteration results from a C to T substitution at nucleotide position 1250, causing the proline (P) at amino acid position 417 to be replaced by a leucine (L). Based on data from gnomAD, the T allele has an overall frequency of 0.06% (159/282736) total alleles studied. The highest observed frequency was 0.1% (127/129062) of European (non-Finnish) alleles. This alteration has been detected in the homozygous state and heterozygous with other HEXB alterations in multiple unrelated individuals with Sandhoff disease (Ahn, 2010; Gort, 2012; Rattay, 2013; Gomez-Lira, 1995; Yamada, 2013; Kang, 2013; Grunseich, 2015; McInnes, 1992; Wakamatsu, 1992). This amino acid position is not well conserved in available vertebrate species. Based on the available evidence, this alteration is classified as pathogenic.

Clinical Genomics Laboratory, Stanford Medicine
Classification: Pathogenic for Sandhoff disease. Last evaluated: 2022-03-03. Review status: criteria provided, single submitter. Criteria: ACMG Guidelines, 2015. Collection method: clinical testing. Allele origin: paternal. Inheritance: Autosomal recessive inheritance. Observed: 2 variant alleles, 2 heterozygotes. Clinical features observed: History of bilateral subependymal cysts with intraventricular hemorrhage, developmental delay, macrocephaly, tall stature, congenital hypothyroidism.
Comment: The p.Pro417Leu variant in the HEXB gene has been previously reported in the homozygous or compound heterozygous state in several individuals with Sandhoff disease (McInnes et al., 1992; Wakamatsu et al.,1992; Gort et al., 2012; Yamada et al., 2013). This variant has also been identified in 127/129,062 European Non-Finnish chromosomes (159/282,736 chromosomes overall) by the Genome Aggregation Database. Although this variant has been seen in the general population, it has been observed at a frequency low enough to be consistent with autosomal recessive carrier status. The p.Pro417Leu variant occurs near the splice junction of intron 10 and exon 11. Functional studies have demonstrated that this variant results in aberrant splicing due to activation of a cryptic splice site and exon 11 skipping (McInnes et al., 1992; Wakamatsu et al., 1992). Computational tools predict that the p.Pro417Leu variant is deleterious; however, the accuracy of in silico algorithms is limited. These data were assessed using the ACMG/AMP variant interpretation guidelines. In summary, there is sufficient evidence to classify the p.Pro417Leu variant as pathogenic for autosomal recessive Sandhoff disease based on the information above. [ACMG evidence codes used: PM3_Very Strong; PS3; PM2; PP3]

Women's Health and Genetics/Laboratory Corporation of America, LabCorp
Classification: Pathogenic for Sandhoff disease. Last evaluated: 2020-11-10. Review status: criteria provided, single submitter. Criteria: LabCorp Variant Classification Summary - May 2015. Collection method: clinical testing. Allele origin: germline.
Comment: Variant summary: HEXB c.1250C>T (p.Pro417Leu) results in a non-conservative amino acid change located in the Glycoside hydrolase family 20, catalytic domain of the encoded protein sequence. Four of five in-silico tools predict a damaging effect of the variant on protein function. 5/5 computational tools predict no significant impact on normal splicing. However, the variant has been shown to lead to aberant mRNA splicing (Wakamatsu_1992, Mcinnes_1992). The variant allele was found at a frequency of 0.00059 in 251338 control chromosomes (gnomAD). This frequency is not higher than expected for a pathogenic variant in HEXB causing Sandhoff Disease (0.00059 vs 0.0015). c.1250C>T has been reported in the literature in multiple individuals affected with Sandhoff Disease (Mcinnes_1992, Wakamatsu_1992, Gort_2012, Grunseich_2015). These data indicate that the variant is very likely to be associated with disease. Five clinical diagnostic laboratories have submitted clinical-significance assessments for this variant to ClinVar after 2014 without evidence for independent evaluation. All laboratories classified the variant as pathogenic. Based on the evidence outlined above, the variant was classified as pathogenic.

Myriad Genetics, Inc.
Classification: Pathogenic for Sandhoff disease. Last evaluated: 2019-12-26. Review status: criteria provided, single submitter. Criteria: Myriad Women's Health Autosomal Recessive and X-Linked Classification Criteria (2019). Collection method: clinical testing. Allele origin: unknown.
Comment: NM_000521.3(HEXB):c.1250C>T(P417L) is classified as pathogenic in the context of Sandhoff disease. Sources cited for classification include the following: PMID 1386607, 7557963, 24263030, 17237499, 1531140, 23127958, 22789865 and 21150067. Classification of NM_000521.3(HEXB):c.1250C>T(P417L) is based on the following criteria: This is a well-established pathogenic variant in the literature that has been observed more frequently in patients with clinical diagnoses than in healthy populations. Please note: this variant was assessed in the context of healthy population screening.â€šÃ„Ã¶âˆšÃ‘âˆšÂ£

Laboratorio de Genetica e Diagnostico Molecular, Hospital Israelita Albert Einstein
Classification: Likely pathogenic. Last evaluated: 2019-04-29. Review status: criteria provided, single submitter. Criteria: ACMG Guidelines, 2015. Collection method: clinical testing. Allele origin: germline. Affected: yes.
Comment: ACMG classification criteria: PM1, PM2, PP3, PP5

Fulgent Genetics
Classification: Pathogenic for Sandhoff disease. Last evaluated: 2018-10-31. Review status: criteria provided, single submitter. Criteria: ACMG Guidelines, 2015. Collection method: clinical testing. Allele origin: unknown.

Illumina Laboratory Services, Illumina
Classification: Pathogenic for Sandhoff disease. Last evaluated: 2017-10-25. Review status: criteria provided, single submitter. Criteria: ICSL Variant Classification Criteria 09 May 2019. Collection method: clinical testing. Allele origin: germline.
Comment: The HEXB c.1250C>T (p.Pro417Leu) missense variant has been reported in a total of nine individuals with Sandhoff disease, including one homozygote and eight compound heterozygotes (McInnes et al. 1992; Wakamatsu et al. 1992; Gomez-Lira et al. 1995; Ahn et al. 2010; Kang et al. 2013; Yamada et al. 2013; Grunseich et al. 2015). The variant was additionally found in a heterozygous state in seven unaffected individuals. The variant was absent from 36 controls and is reported at a frequency of 0.00162 in the East Asian population of the Exome Aggregation Consortium. Functional studies in patient fibroblasts showed that the variant resulted in less than 10% of mRNA levels compared to wild type, absent or severely reduced hexosaminidase B activity, and a reduced level of hexosaminidase A activity (McInnes et al. 1992; Wakamatsu et al. 1992; Kang et al. 2013; Yamada et al. 2013; Grunseich et al. 2015). RT-PCR experiments in patient and transfected COS7 cells demonstrated that the p.Pro417Leu variant resulted in aberrant splicing, inhibition of recognition of the normal splice site, and activation of a cryptic splice site (Wakamatsu et al. 1992). Based on the collective evidence, the p.Pro417Leu variant is classified as pathogenic for Sandhoff disease. This variant was observed by ICSL as part of a predisposition screen in an ostensibly healthy population.

Eurofins Ntd Llc (ga)
Classification: Pathogenic. Last evaluated: 2013-10-21. Review status: criteria provided, single submitter. Criteria: EGL Classification Definitions. Collection method: clinical testing. Allele origin: germline. Observed: 5 variant alleles, 5 heterozygotes.

Baylor Genetics
Classification: Pathogenic for Sandhoff disease. Review status: criteria provided, single submitter. Criteria: ACMG Guidelines, 2015. Collection method: clinical testing. Allele origin: germline.

Juno Genomics, Hangzhou Juno Genomics, Inc
Classification: Pathogenic for Sandhoff disease. Review status: criteria provided, single submitter. Criteria: ACMG Guidelines, 2015. Collection method: clinical testing. Allele origin: germline.
Comment: Absent from controls (or at extremely low frequency if recessive) in Genome Aggregation Database.;Well-established in vitro or in vivo functional studies supportive of a damaging effect on the gene or gene product.;For recessive disorders, detected in trans with a pathogenic variant.;Patient's phenotype or family history is highly specific for a disease with a single genetic etiology.

OMIM
Classification: Pathogenic for SANDHOFF DISEASE, ADULT TYPE. Last evaluated: 1995-10-01. Review status: no assertion criteria provided. Collection method: literature only. Allele origin: germline. Not counted in ClinVar's aggregate classification.

OMIM
Classification: Pathogenic for SANDHOFF DISEASE, JUVENILE TYPE. Last evaluated: 1992-08-01. Review status: no assertion criteria provided. Collection method: literature only. Allele origin: germline. Not counted in ClinVar's aggregate classification.

Literature cited by the submitters: PubMed 1531140 (cited by 10 submitters); PubMed 7557963 (cited by 8 submitters); PubMed 21150067 (cited by 6 submitters); PubMed 22789865 (cited by 8 submitters); PubMed 24263030 (cited by 6 submitters); PubMed 1386607 (cited by 9 submitters); PubMed 26769462 (cited by Natera, Inc.); PubMed 29448188 (cited by Victorian Clinical Genetics Services, Murdoch Childrens Research Institute and Mayo Clinic Laboratories, Mayo Clinic); PubMed 12706724 (cited by Mayo Clinic Laboratories, Mayo Clinic); PubMed 17237499 (cited by Mayo Clinic Laboratories, Mayo Clinic and Myriad Genetics, Inc.); PubMed 23127958 (cited by 5 submitters); PubMed 23158871 (cited by Mayo Clinic Laboratories, Mayo Clinic); PubMed 23886397 (cited by Mayo Clinic Laboratories, Mayo Clinic and Ambry Genetics); PubMed 25736553 (cited by 4 submitters); PubMed 31847883 (cited by Mayo Clinic Laboratories, Mayo Clinic); PubMed 2147027 (cited by OMIM).